The following is an entry in ClinVar:

ClinVar aggregate classification (germline): Likely benign. Review status: criteria provided, multiple submitters, no conflicts (2 of 4 stars). 3 submissions from 3 submitters: Likely benign (3). Last evaluated 2026-01-26.

Conditions:
Catecholaminergic polymorphic ventricular tachycardia (CVPT). Also called: Catecholamine-induced polymorphic ventricular tachycardia. Identifiers: Orphanet 3286, MedGen C5574922, MONDO:0017990.
Cardiomyopathy (CMYO). Also called: Cardiomyopathies. Identifiers: Orphanet 167848, MedGen C0878544, MONDO:0004994, HP:0001638. Inheritance: Various modes of inheritance.
Catecholaminergic polymorphic ventricular tachycardia 1. Also called: RYR2-Related Catecholaminergic Polymorphic Ventricular Tachycardia; VENTRICULAR TACHYCARDIA, STRESS-INDUCED POLYMORPHIC 1; VENTRICULAR TACHYCARDIA, CATECHOLAMINERGIC POLYMORPHIC, 1, WITH OR WITHOUT ATRIAL DYSFUNCTION AND/OR DILATED CARDIOMYOPATHY. Identifiers: Orphanet 3286, MedGen C1631597, MONDO:0011484, OMIM 604772.

Allele frequency attached by ClinVar (database versions not stated): gnomAD 0.00001; 1000 Genomes Project 30x 0.00016; 1000 Genomes Project 0.00020.

Submissions (3):

Labcorp Genetics (formerly Invitae), Labcorp
Classification: Likely benign for Catecholaminergic polymorphic ventricular tachycardia 1. Last evaluated: 2026-01-26. Review status: criteria provided, single submitter. Criteria: Invitae Variant Classification Sherloc (09022015). Collection method: clinical testing. Allele origin: germline.

All of Us Research Program, National Institutes of Health
Classification: Likely benign for Catecholaminergic polymorphic ventricular tachycardia. Last evaluated: 2023-12-13. Review status: criteria provided, single submitter. Criteria: ACMG Guidelines, 2015. Collection method: clinical testing. Allele origin: germline. Inheritance: Autosomal dominant inheritance. Observed: 1 variant allele, 1 heterozygote.
Comment: This study involves interpretation of variants in research participants for the purpose of population health screening. Participant phenotype was not available at the time of variant classification. Additional details can be found in publication PMID: 35346344, PMCID: PMC8962531

Color Diagnostics, LLC DBA Color Health
Classification: Likely benign for Cardiomyopathy. Last evaluated: 2023-10-13. Review status: criteria provided, single submitter. Criteria: ACMG Guidelines, 2015. Collection method: clinical testing. Allele origin: germline.

NM_001035.3(RYR2):c.385-8C>T

Gene: RYR2 (ryanodine receptor 2; plus strand). Cytogenetic location: 1q43.
Variant type: single nucleotide variant.
Coding change: c.385-8C>T on transcript NM_001035.3 (MANE Select); 8 bases into the intron before coding-DNA position 385, C replaced by T.
Molecular consequence: intron variant.
Genome position (GRCh38, 1-based): chr1:237,374,709, C>T. VCF-style: chr1-237374709-C-T. GRCh37 (hg19) VCF-style: chr1-237538009-C-T.
Identifiers: ClinVar variation 1134418 (VCV001134418.11), dbSNP rs529230897, ClinGen allele CA39773681.